The following is an entry in ClinVar:

NM_012472.6(DNAAF11):c.574C>G (p.Gln192Glu)

Gene: DNAAF11 (dynein axonemal assembly factor 11; minus strand). Cytogenetic location: 8q24.22.
Variant type: single nucleotide variant.
Coding change: c.574C>G on transcript NM_012472.6 (MANE Select); coding-DNA position 574, C replaced by G.
Protein change: p.Gln192Glu; replaces glutamine 192 with glutamic acid.
Molecular consequence: missense variant. On other transcripts: non-coding transcript variant (1).
Genome position (GRCh38, 1-based): chr8:132,632,819, G>C on the plus strand (C>G on the coding strand, the complement: DNAAF11 is on the minus strand). VCF-style: chr8-132632819-G-C. GRCh37 (hg19) VCF-style: chr8-133645065-G-C.
Other names: c.574C>G, p.Gln192Glu (NM_001321961.2); c.328C>G, p.Gln110Glu (NM_001321962.2); c.214C>G, p.Gln72Glu (NM_001321963.2, NM_001321964.2, NM_001321965.2 and 1 more transcripts); c.574C>G (NM_012472.5); short protein forms Q192E, Q72E, Q110E.
Identifiers: ClinVar variation 540332 (VCV000540332.27), dbSNP rs141945265, ClinGen allele CA4881350.
Genomic context (GRCh38, chr8:132,632,819, plus strand): 5'-TGTACCAACGTCCATCAAAGCCTGCGTTACTTCTCTTGTCTTCATTTTTATCCTCTTCTT[G>C]GTGTTTCCTCTGAGCCTCTTCCTTGAGTTTGGCTCGTTTAAGACAGTGATCTTTTTCCTG-3'
Protein context (NP_036604.2, residues 182-202): KLKEEAQRKH[Gln192Glu]EEDKNEDKRS

ClinVar aggregate classification (germline): Conflicting classifications of pathogenicity. Review status: criteria provided, conflicting classifications (1 of 4 stars). 8 submissions from 8 submitters: Uncertain significance (4); Benign (1); Likely benign (2). 1 of the submissions does not count toward it. Last evaluated 2026-02-01.

Conditions:
DNAAF11-related disorder. Also called: DNAAF11-related condition.
Primary ciliary dyskinesia 19. Also called: CILIARY DYSKINESIA, PRIMARY, 19, WITH OR WITHOUT SITUS INVERSUS. Identifiers: Orphanet 244, MedGen C3543826, MONDO:0013979, OMIM 614935.
Primary ciliary dyskinesia. Also called: Ciliary dyskinesia. Identifiers: Orphanet 244, MedGen C0008780, MONDO:0016575, HP:0012265.

Allele frequency attached by ClinVar (database versions not stated): 1000 Genomes Project 30x 0.00016; TOPMed 0.00129; ESP Exome Variant Server 0.00154.
gnomAD v4.1: 2,843 of 1,613,834 alleles (0.18%); highest among the groups gnomAD compares: Non-Finnish European, 0.22%; 5 homozygotes.

Submissions (8):

Labcorp Genetics (formerly Invitae), Labcorp
Classification: Likely benign for Primary ciliary dyskinesia 19. Last evaluated: 2026-02-01. Review status: criteria provided, single submitter. Criteria: Invitae Variant Classification Sherloc (09022015). Collection method: clinical testing. Allele origin: germline.

GeneDx
Classification: Uncertain significance. Last evaluated: 2025-03-04. Review status: criteria provided, single submitter. Criteria: GeneDx Variant Classification Process June 2021. Collection method: clinical testing. Allele origin: germline. Affected: yes.
Comment: In silico analysis indicates that this missense variant does not alter protein structure/function; Has not been previously published as pathogenic or benign to our knowledge

Blueprint Genetics
Classification: Likely benign. Last evaluated: 2024-10-25. Review status: criteria provided, single submitter. Criteria: ACMG Guidelines, 2015. Collection method: clinical testing. Allele origin: germline.

ARUP Laboratories, Molecular Genetics and Genomics, ARUP Laboratories
Classification: Uncertain significance. Last evaluated: 2022-03-25. Review status: criteria provided, single submitter. Criteria: ARUP Molecular Germline Variant Investigation Process 2021. Collection method: clinical testing. Allele origin: germline.
Comment: The DNAAF11 c.574C>G; p.Gln192Glu variant (rs141945265), to our knowledge, is not reported in the medical literature; but is reported in ClinVar (Variation ID: 540332). This variant is found in the general population with an overall allele frequency of 0.15% (427/282786 alleles) in the Genome Aggregation Database. The glutamine at codon 192 is weakly conserved, and computational analyses predict that this variant is neutral (REVEL: 0.104). Due to limited information, the clinical significance of the this variant is uncertain at this time.

Revvity Omics, Revvity
Classification: Uncertain significance for Primary ciliary dyskinesia 19. Last evaluated: 2020-08-13. Review status: criteria provided, single submitter. Criteria: ACMG Guidelines, 2015. Collection method: clinical testing. Allele origin: germline.

Ambry Genetics
Classification: Benign for Primary ciliary dyskinesia. Last evaluated: 2018-05-29. Review status: criteria provided, single submitter. Criteria: Ambry Variant Classification Scheme 2023. Collection method: clinical testing. Allele origin: germline.

Illumina Laboratory Services, Illumina
Classification: Uncertain significance for Primary ciliary dyskinesia 19. Last evaluated: 2017-04-27. Review status: criteria provided, single submitter. Criteria: ICSL Variant Classification Criteria 13 December 2019. Collection method: clinical testing. Allele origin: germline.

PreventionGenetics, part of Exact Sciences
Classification: Likely benign for DNAAF11-related condition. Last evaluated: 2023-06-05. Review status: no assertion criteria provided. Collection method: clinical testing. Allele origin: germline. Not counted in ClinVar's aggregate classification.
Comment: This variant is classified as likely benign based on ACMG/AMP sequence variant interpretation guidelines (Richards et al. 2015 PMID: 25741868, with internal and published modifications).